The following is an entry in ClinVar:

ClinVar aggregate classification (germline): Uncertain significance. Review status: criteria provided, multiple submitters, no conflicts (2 of 4 stars). 2 submissions from 2 submitters: Uncertain significance (2). Last evaluated 2025-07-30.

Allele frequency attached by ClinVar (database versions not stated): TOPMed 0.00004; gnomAD exomes 0.00001.
gnomAD v4.1: 20 of 1,609,876 alleles (0.0012%); highest among the groups gnomAD compares: Non-Finnish European, 0.0017%; no homozygotes.

Submissions (2):

Labcorp Genetics (formerly Invitae), Labcorp
Classification: Uncertain significance. Last evaluated: 2025-07-30. Review status: criteria provided, single submitter. Criteria: Invitae Variant Classification Sherloc (09022015). Collection method: clinical testing. Allele origin: germline.
Comment: This sequence change replaces glutamic acid, which is acidic and polar, with aspartic acid, which is acidic and polar, at codon 559 of the KIF23 protein (p.Glu559Asp). This variant is present in population databases (rs766420062, gnomAD 0.0009%). This variant has not been reported in the literature in individuals affected with KIF23-related conditions. ClinVar contains an entry for this variant (Variation ID: 2465671). Invitae Evidence Modeling of protein sequence and biophysical properties (such as structural, functional, and spatial information, amino acid conservation, physicochemical variation, residue mobility, and thermodynamic stability) indicates that this missense variant is not expected to disrupt KIF23 protein function with a negative predictive value of 80%. In summary, the available evidence is currently insufficient to determine the role of this variant in disease. Therefore, it has been classified as a Variant of Uncertain Significance.

Ambry Genetics
Classification: Uncertain significance. Last evaluated: 2023-03-06. Review status: criteria provided, single submitter. Criteria: Ambry Variant Classification Scheme 2023. Collection method: clinical testing. Allele origin: germline.

NM_001367805.3(KIF23):c.1719A>T (p.Glu573Asp)

Gene: KIF23 (kinesin family member 23; plus strand). Cytogenetic location: 15q23.
Variant type: single nucleotide variant.
Coding change: c.1719A>T on transcript NM_001367805.3 (MANE Select); coding-DNA position 1719, A replaced by T.
Protein change: p.Glu573Asp; replaces glutamic acid 573 with aspartic acid.
Molecular consequence: missense variant. On other transcripts: non-coding transcript variant (2).
Genome position (GRCh38, 1-based): chr15:69,438,369, A>T. VCF-style: chr15-69438369-A-T. GRCh37 (hg19) VCF-style: chr15-69730708-A-T.
Other names: c.1347A>T, p.Glu449Asp (NM_001281301.2); c.1677A>T, p.Glu559Asp (NM_001367804.2, NM_004856.7, NM_138555.4); short protein forms E573D, E559D, E449D.
Identifiers: ClinVar variation 2465671 (VCV002465671.5), dbSNP rs766420062, ClinGen allele CA272524495.
Genomic context (GRCh38, chr15:69,438,369, plus strand): 5'-CATGCAAGGGAAACTAAATGAAAAGGAGAAGATGATCTCAGGACAGAAATTGGAAATAGA[A>T]CGACTGGAAAAGAAAAACAAAACTTTAGAATATAAGGTTTGTTTTGACATTATTATGATA-3'
Protein context (NP_001354734.1, residues 563-583): KMISGQKLEI[Glu573Asp]RLEKKNKTLE